The following is an entry in ClinVar:

NM_001382567.1(STIM1):c.1936C>T (p.Arg646Cys)

Genes: STIM1 (stromal interaction molecule 1; plus strand), LOC124418421 (Sharpr-MPRA regulatory region 9588; plus strand). Cytogenetic location: 11p15.4.
Variant type: single nucleotide variant.
Coding change: c.1936C>T on transcript NM_001382567.1 (MANE Select); coding-DNA position 1936, C replaced by T.
Protein change: p.Arg646Cys; replaces arginine 646 with cysteine.
Molecular consequence: missense variant. On other transcripts: 3 prime UTR variant (4), non-coding transcript variant (3).
Genome position (GRCh38, 1-based): chr11:4,091,583, C>T. VCF-style: chr11-4091583-C-T. GRCh37 (hg19) VCF-style: chr11-4112813-C-T.
Other names: c.2161C>T, p.Arg721Cys (NM_001277961.3); c.*257C>T (NM_001277962.2, NM_001382578.1, NM_001382579.1 and 1 more transcripts); c.1939C>T, p.Arg647Cys (NM_001382566.1); c.1864C>T, p.Arg622Cys (NM_001382568.1); c.1708C>T, p.Arg570Cys (NM_001382569.1); c.1615C>T, p.Arg539Cys (NM_001382570.1); c.1363C>T, p.Arg455Cys (NM_001382571.1); c.1621C>T, p.Arg541Cys (NM_001382575.1, NM_001382576.1, NM_001382577.1); and 2 more; short protein forms R539C, R721C, R615C, R452C, R541C, R622C, R646C, R455C.
Identifiers: ClinVar variation 4782734 (VCV004782734.2).

ClinVar aggregate classification (germline): Uncertain significance. Review status: criteria provided, multiple submitters, no conflicts (2 of 4 stars). 2 submissions from 2 submitters: Uncertain significance (2). Last evaluated 2025-09-24.

Conditions:
STIM1-related disorder. Also called: STIM1-related condition.
Stormorken syndrome (STRMK). Also called: THROMBOCYTOPATHY, ASPLENIA, AND MIOSIS. Identifiers: Orphanet 3204, MedGen C1861451, MONDO:0008497, OMIM 185070.
Myopathy with tubular aggregates (TAM). Also called: Tubular Aggregate Myopathy. Identifiers: Orphanet 2593, MedGen C0410207, MONDO:0008051.
Combined immunodeficiency due to STIM1 deficiency. Also called: STIM1 DEFICIENCY; IMMUNODEFICIENCY 10. Identifiers: Orphanet 169090, Orphanet 317430, MedGen C2748557, MONDO:0013008, OMIM 612783.

gnomAD v4.1: 22 of 1,614,216 alleles (0.0014%); highest among the groups gnomAD compares: East Asian, 0.029%; no homozygotes.

Submissions (2):

Labcorp Genetics (formerly Invitae), Labcorp
Classification: Uncertain significance for Myopathy with tubular aggregates; Combined immunodeficiency due to STIM1 deficiency; Stormorken syndrome. Last evaluated: 2025-09-24. Review status: criteria provided, single submitter. Criteria: Invitae Variant Classification Sherloc (09022015). Collection method: clinical testing. Allele origin: germline.
Comment: This sequence change replaces arginine, which is basic and polar, with cysteine, which is neutral and slightly polar, at codon 615 of the STIM1 protein (p.Arg615Cys). This variant is present in population databases (rs560566339, gnomAD 0.02%). This variant has not been reported in the literature in individuals affected with STIM1-related conditions. Invitae Evidence Modeling of protein sequence and biophysical properties (such as structural, functional, and spatial information, amino acid conservation, physicochemical variation, residue mobility, and thermodynamic stability) has been performed for this missense variant. However, the output from this modeling did not meet the statistical confidence thresholds required to predict the impact of this variant on STIM1 protein function. In summary, the available evidence is currently insufficient to determine the role of this variant in disease. Therefore, it has been classified as a Variant of Uncertain Significance.

PreventionGenetics, part of Exact Sciences
Classification: Uncertain significance for STIM1-related condition. Last evaluated: 2025-01-19. Review status: criteria provided, single submitter. Criteria: ACMG Guidelines, 2015. Collection method: clinical testing. Allele origin: germline.
Comment: The STIM1 c.1843C>T variant is predicted to result in the amino acid substitution p.Arg615Cys. To our knowledge, this variant has not been reported in the literature. This variant is reported in 0.011% of alleles in individuals of East Asian descent in gnomAD. At this time, the clinical significance of this variant is uncertain due to the absence of conclusive functional and genetic evidence.